The following is an entry in ClinVar:

NM_001127198.5(TMC6):c.656C>T (p.Ala219Val)

Gene: TMC6 (transmembrane channel like 6; minus strand). Cytogenetic location: 17q25.3.
Variant type: single nucleotide variant.
Coding change: c.656C>T on transcript NM_001127198.5 (MANE Select); coding-DNA position 656, C replaced by T.
Protein change: p.Ala219Val; replaces alanine 219 with valine.
Molecular consequence: missense variant. On other transcripts: non-coding transcript variant (4).
Genome position (GRCh38, 1-based): chr17:78,124,759, G>A on the plus strand (C>T on the coding strand, the complement: TMC6 is on the minus strand). VCF-style: chr17-78124759-G-A. GRCh37 (hg19) VCF-style: chr17-76120840-G-A.
Other names: c.656C>T, p.Ala219Val (NM_001321185.1, NM_001374593.1, NM_001374594.1 and 4 more transcripts); short protein forms A219V.
Identifiers: ClinVar variation 574261 (VCV000574261.10), dbSNP rs763931900, ClinGen allele CA8796039.

ClinVar aggregate classification (germline): Uncertain significance (1 of 4 stars; one submission).

Conditions:
Epidermodysplasia verruciformis. Identifiers: Orphanet 302, MedGen C0014522, MONDO:0009176.

Allele frequency attached by ClinVar (database versions not stated): gnomAD 0.00001; gnomAD exomes 0.00002; TOPMed 0.00002; ExAC 0.00005.
gnomAD v4.1: 18 of 1,582,990 alleles (0.0011%); highest among the groups gnomAD compares: Middle Eastern, 0.017%; no homozygotes.

Submission:

Labcorp Genetics (formerly Invitae), Labcorp
Classification: Uncertain significance for Epidermodysplasia verruciformis. Last evaluated: 2022-04-26. Review status: criteria provided, single submitter. Criteria: Invitae Variant Classification Sherloc (09022015). Collection method: clinical testing. Allele origin: germline.
Comment: In summary, the available evidence is currently insufficient to determine the role of this variant in disease. Therefore, it has been classified as a Variant of Uncertain Significance. Algorithms developed to predict the effect of missense changes on protein structure and function output the following: SIFT: "Not Available"; PolyPhen-2: "Benign"; Align-GVGD: "Not Available". The valine amino acid residue is found in multiple mammalian species, which suggests that this missense change does not adversely affect protein function. ClinVar contains an entry for this variant (Variation ID: 574261). This variant has not been reported in the literature in individuals affected with TMC6-related conditions. The frequency data for this variant in the population databases is considered unreliable, as metrics indicate poor data quality at this position in the gnomAD database. This sequence change replaces alanine, which is neutral and non-polar, with valine, which is neutral and non-polar, at codon 219 of the TMC6 protein (p.Ala219Val).